The following is an entry in ClinVar:

NM_022051.3(EGLN1):c.846C>G (p.His282Gln)

Genes: EGLN1 (egl-9 family hypoxia inducible factor 1; minus strand), LOC129932769 (ATAC-STARR-seq lymphoblastoid active region 2730; plus strand). Cytogenetic location: 1q42.2.
Variant type: single nucleotide variant.
Coding change: c.846C>G on transcript NM_022051.3 (MANE Select); coding-DNA position 846, C replaced by G.
Protein change: p.His282Gln; replaces histidine 282 with glutamine.
Molecular consequence: missense variant.
Genome position (GRCh38, 1-based): chr1:231,421,043, G>C on the plus strand (C>G on the coding strand, the complement: EGLN1 is on the minus strand). VCF-style: chr1-231421043-G-C. GRCh37 (hg19) VCF-style: chr1-231556789-G-C.
Other names: c.846C>G, p.His282Gln (NM_001377260.1, NM_001377261.1); short protein forms H282Q.
Identifiers: ClinVar variation 4016845 (VCV004016845.1).

ClinVar aggregate classification (germline): Uncertain significance (1 of 4 stars; one submission).

gnomAD v4.1: 1 of 1,614,122 alleles (0.000062%); highest among the groups gnomAD compares: Non-Finnish European, 0.000085%; no homozygotes.

Submission:

Ambry Genetics
Classification: Uncertain significance. Last evaluated: 2025-03-20. Review status: criteria provided, single submitter. Criteria: Ambry Variant Classification Scheme 2023. Collection method: clinical testing. Allele origin: germline.
Comment: The p.H282Q variant (also known as c.846C>G), located in coding exon 1 of the EGLN1 gene, results from a C to G substitution at nucleotide position 846. The histidine at codon 282 is replaced by glutamine, an amino acid with highly similar properties. This amino acid position is conserved. In addition, the in silico prediction for this alteration is inconclusive. Based on the available evidence, the clinical significance of this variant remains unclear.